The following is an entry in ClinVar:

ClinVar aggregate classification (germline): Conflicting classifications of pathogenicity. Review status: criteria provided, conflicting classifications (1 of 4 stars). 2 submissions from 2 submitters: Uncertain significance (1); Likely benign (1). Last evaluated 2023-04-25.

Conditions:
Inborn genetic diseases. Identifiers: MedGen C0950123, MeSH D030342.

Allele frequency attached by ClinVar (database versions not stated): gnomAD 0.00003; gnomAD exomes 0.00003; ExAC 0.00006.
gnomAD v4.1: 46 of 1,614,010 alleles (0.0029%); highest among the groups gnomAD compares: Admixed American, 0.015%; no homozygotes.

Submissions (2):

Ambry Genetics
Classification: Likely benign for Inborn genetic diseases. Last evaluated: 2023-04-25. Review status: criteria provided, single submitter. Criteria: Ambry Variant Classification Scheme 2023. Collection method: clinical testing. Allele origin: germline.

Labcorp Genetics (formerly Invitae), Labcorp
Classification: Uncertain significance. Last evaluated: 2022-05-27. Review status: criteria provided, single submitter. Criteria: Invitae Variant Classification Sherloc (09022015). Collection method: clinical testing. Allele origin: germline.
Comment: This variant is present in population databases (rs749087566, gnomAD 0.02%). This sequence change replaces valine, which is neutral and non-polar, with methionine, which is neutral and non-polar, at codon 974 of the DSG4 protein (p.Val974Met). This variant has not been reported in the literature in individuals affected with DSG4-related conditions. In summary, the available evidence is currently insufficient to determine the role of this variant in disease. Therefore, it has been classified as a Variant of Uncertain Significance. Algorithms developed to predict the effect of missense changes on protein structure and function output the following: SIFT: "Not Available"; PolyPhen-2: "Benign"; Align-GVGD: "Not Available". The methionine amino acid residue is found in multiple mammalian species, which suggests that this missense change does not adversely affect protein function.

NM_177986.5(DSG4):c.2920G>A (p.Val974Met)

Genes: DSG1-AS1 (DSG1 antisense RNA 1; minus strand), DSG4 (desmoglein 4; plus strand). Cytogenetic location: 18q12.1.
Variant type: single nucleotide variant.
Coding change: c.2920G>A on transcript NM_177986.5 (MANE Select); coding-DNA position 2920, G replaced by A.
Protein change: p.Val974Met; replaces valine 974 with methionine.
Molecular consequence: missense variant.
Genome position (GRCh38, 1-based): chr18:31,413,392, G>A. VCF-style: chr18-31413392-G-A. GRCh37 (hg19) VCF-style: chr18-28993355-G-A.
Other names: c.2920G>A (NM_177986.3); c.2977G>A, p.Val993Met (NM_001134453.3); short protein forms V993M, V974M.
Identifiers: ClinVar variation 2074764 (VCV002074764.6), dbSNP rs749087566, ClinGen allele CA8927438.
Genomic context (GRCh38, chr18:31,413,392, plus strand): 5'-GCTGAGTTAGCAGATTACAACAATGTAATCTATGCTGAGAGAGTACTGGCTAGTCCTGGT[G>A]TGCCTGACATGAGCAATAGTAGCACGACTGAGGGTTGTATGGGACCTGTGATGAGCGGCA-3'
Protein context (NP_817123.1, residues 964-984): YAERVLASPG[Val974Met]PDMSNSSTTE